The following is an entry in ClinVar:

ClinVar aggregate classification (germline): Likely pathogenic (1 of 4 stars; one submission).

Conditions:
Cataract 3 multiple types. Also called: CATARACT 3, MULTIPLE TYPES, WITH OR WITHOUT MICROCORNEA. Identifiers: Orphanet 1377, MedGen C1832175, MONDO:0011104, OMIM 601547.

Submission:

Labcorp Genetics (formerly Invitae), Labcorp
Classification: Likely pathogenic for Cataract 3 multiple types. Last evaluated: 2017-02-06. Review status: criteria provided, single submitter. Criteria: Invitae Variant Classification Sherloc (09022015). Collection method: clinical testing. Allele origin: germline.
Comment: This evidence indicates that the variant is pathogenic, but additional data is needed to prove that conclusively. Therefore, this variant has been classified as Likely Pathogenic. Algorithms developed to predict the effect of missense changes on protein structure and function (SIFT, PolyPhen-2, Align-GVGD) all suggest that this variant is likely to be disruptive, but these predictions have not been confirmed by published functional studies. This variant is not present in population databases (ExAC no frequency) and has not been reported in the literature in individuals with a CRYBB2-related disease. This sequence change replaces valine with glycine at codon 184 of the CRYBB2 protein (p.Val184Gly). The valine residue is moderately conserved and there is a moderate physicochemical difference between valine and glycine.

NM_000496.3(CRYBB2):c.551T>G (p.Val184Gly)

Gene: CRYBB2 (crystallin beta B2; plus strand). Cytogenetic location: 22q11.23.
Variant type: single nucleotide variant.
Coding change: c.551T>G on transcript NM_000496.3 (MANE Select); coding-DNA position 551, T replaced by G.
Protein change: p.Val184Gly; replaces valine 184 with glycine.
Molecular consequence: missense variant.
Genome position (GRCh38, 1-based): chr22:25,231,705, T>G. VCF-style: chr22-25231705-T-G. GRCh37 (hg19) VCF-style: chr22-25627672-T-G.
Other names: short protein forms V184G.
Identifiers: ClinVar variation 463971 (VCV000463971.8), dbSNP rs1555889308, ClinGen allele CA410988354.